The following is an entry in ClinVar:

NM_007118.4(TRIO):c.4261T>C (p.Tyr1421His)

Gene: TRIO (trio Rho guanine nucleotide exchange factor; plus strand). Cytogenetic location: 5p15.2.
Variant type: single nucleotide variant.
Coding change: c.4261T>C on transcript NM_007118.4 (MANE Select); coding-DNA position 4261, T replaced by C.
Protein change: p.Tyr1421His; replaces tyrosine 1421 with histidine.
Molecular consequence: missense variant. On other transcripts: non-coding transcript variant (1).
Genome position (GRCh38, 1-based): chr5:14,394,080, T>C. VCF-style: chr5-14394080-T-C. GRCh37 (hg19) VCF-style: chr5-14394189-T-C.
Other names: short protein forms Y1421H.
Identifiers: ClinVar variation 4536292 (VCV004536292.1).

ClinVar aggregate classification (germline): Likely pathogenic (1 of 4 stars; one submission).

Submission:

GeneDx
Classification: Likely pathogenic. Last evaluated: 2025-06-05. Review status: criteria provided, single submitter. Criteria: GeneDx Variant Classification Process June 2021. Collection method: clinical testing. Allele origin: germline. Affected: yes.
Comment: Not observed at significant frequency in large population cohorts (gnomAD); In silico analysis supports that this missense variant has a deleterious effect on protein structure/function; Has not been previously published as pathogenic or benign to our knowledge